The following is an entry in ClinVar:

NM_020699.4(GATAD2B):c.1517A>C (p.His506Pro)

Gene: GATAD2B (GATA zinc finger domain containing 2B; minus strand). Cytogenetic location: 1q21.3.
Variant type: single nucleotide variant.
Coding change: c.1517A>C on transcript NM_020699.4 (MANE Select); coding-DNA position 1517, A replaced by C.
Protein change: p.His506Pro; replaces histidine 506 with proline.
Molecular consequence: missense variant.
Genome position (GRCh38, 1-based): chr1:153,812,035, T>G on the plus strand (A>C on the coding strand, the complement: GATAD2B is on the minus strand). VCF-style: chr1-153812035-T-G. GRCh37 (hg19) VCF-style: chr1-153784511-T-G.
Other names: short protein forms H506P.
Identifiers: ClinVar variation 5009367 (VCV005009367.1).

ClinVar aggregate classification (germline): Uncertain significance (1 of 4 stars; one submission).

gnomAD v4.1: 1 of 1,601,666 alleles (0.000062%); highest among the groups gnomAD compares: African/African-American, 0.0013%; no homozygotes.

Submission:

GeneDx
Classification: Uncertain significance. Last evaluated: 2026-03-21. Review status: criteria provided, single submitter. Criteria: GeneDx Variant Classification Process June 2021. Collection method: clinical testing. Allele origin: germline.
Comment: Not observed at significant frequency in large population cohorts (gnomAD); In silico analysis supports that this missense variant has a deleterious effect on protein structure/function; Has not been previously published as pathogenic or benign to our knowledge